The following is an entry in ClinVar:

ClinVar aggregate classification (germline): Uncertain significance (1 of 4 stars; one submission).

Conditions:
Developmental and epileptic encephalopathy, 53. Also called: Epileptic encephalopathy, early infantile, 53. Identifiers: MedGen C4479313, MONDO:0033362, OMIM 617389.
Early-onset Parkinson disease 20. Also called: PARKINSON DISEASE 20, AUTOSOMAL RECESSIVE EARLY-ONSET. Identifiers: Orphanet 391411, MedGen C3809824, MONDO:0014233, OMIM 615530.

Submission:

Labcorp Genetics (formerly Invitae), Labcorp
Classification: Uncertain significance for Developmental and epileptic encephalopathy, 53; Early-onset Parkinson disease 20. Last evaluated: 2023-05-15. Review status: criteria provided, single submitter. Criteria: Invitae Variant Classification Sherloc (09022015). Collection method: clinical testing. Allele origin: germline.
Comment: ClinVar contains an entry for this variant (Variation ID: 2021269). Algorithms developed to predict the effect of sequence changes on RNA splicing suggest that this variant may disrupt the consensus splice site. In summary, the available evidence is currently insufficient to determine the role of this variant in disease. Therefore, it has been classified as a Variant of Uncertain Significance. This variant has not been reported in the literature in individuals affected with SYNJ1-related conditions. This sequence change affects codon 550 of the SYNJ1 mRNA. It is a 'silent' change, meaning that it does not change the encoded amino acid sequence of the SYNJ1 protein. It affects a nucleotide within the consensus splice site. This variant is not present in population databases (gnomAD no frequency).

NM_203446.3(SYNJ1):c.1533A>G (p.Ser511=)

Gene: SYNJ1 (synaptojanin 1; minus strand). Cytogenetic location: 21q22.11.
Variant type: single nucleotide variant.
Coding change: c.1533A>G on transcript NM_203446.3 (MANE Select); coding-DNA position 1533, A replaced by G.
Protein change: p.Ser511=; no amino-acid change (serine 511 retained).
Molecular consequence: synonymous variant. On other transcripts: intron variant (1).
Genome position (GRCh38, 1-based): chr21:32,676,333, T>C on the plus strand (A>G on the coding strand, the complement: SYNJ1 is on the minus strand). VCF-style: chr21-32676333-T-C. GRCh37 (hg19) VCF-style: chr21-34048643-T-C.
Other names: c.1533A>G, p.Ser511= (NM_001160302.2); c.1650A>G, p.Ser550= (NM_003895.4); c.1519+2312A>G (NM_001160306.2).
Identifiers: ClinVar variation 2021269 (VCV002021269.4), dbSNP rs2516675789, ClinGen allele CA512164158.